The following is an entry in ClinVar:

ClinVar aggregate classification (germline): Uncertain significance. Review status: criteria provided, multiple submitters, no conflicts (2 of 4 stars). 2 submissions from 2 submitters: Uncertain significance (2). Last evaluated 2022-03-14.

Conditions:
Ornithine aminotransferase deficiency (GACR). Also called: Ornithine ketoacid aminotransferase deficiency; Gyrate atrophy; Gyrate atrophy of choroid and retina; Girate atrophy of the retina; OKT DEFICIENCY; HYPERORNITHINEMIA WITH GYRATE ATROPHY OF CHOROID AND RETINA. Identifiers: Orphanet 414, MedGen C0018425, MONDO:0009796, OMIM 258870.

Allele frequency attached by ClinVar (database versions not stated): gnomAD 0.00001; TOPMed 0.00002.
gnomAD v4.1: 1 of 1,610,254 alleles (0.000062%); highest among the groups gnomAD compares: African/African-American, 0.0013%; no homozygotes.

Submissions (2):

Labcorp Genetics (formerly Invitae), Labcorp
Classification: Uncertain significance for Ornithine aminotransferase deficiency. Last evaluated: 2022-03-14. Review status: criteria provided, single submitter. Criteria: Invitae Variant Classification Sherloc (09022015). Collection method: clinical testing. Allele origin: germline.
Comment: This sequence change replaces asparagine, which is neutral and polar, with serine, which is neutral and polar, at codon 358 of the OAT protein (p.Asn358Ser). This variant is not present in population databases (gnomAD no frequency). This variant has not been reported in the literature in individuals affected with OAT-related conditions. Algorithms developed to predict the effect of missense changes on protein structure and function (SIFT, PolyPhen-2, Align-GVGD) all suggest that this variant is likely to be tolerated. In summary, the available evidence is currently insufficient to determine the role of this variant in disease. Therefore, it has been classified as a Variant of Uncertain Significance.

Blueprint Genetics
Classification: Uncertain significance. Last evaluated: 2019-07-20. Review status: criteria provided, single submitter. Criteria: ACMG Guidelines, 2015. Collection method: clinical testing. Allele origin: germline.

NM_000274.4(OAT):c.1073A>G (p.Asn358Ser)

Gene: OAT (ornithine aminotransferase; minus strand). Cytogenetic location: 10q26.13.
Variant type: single nucleotide variant.
Coding change: c.1073A>G on transcript NM_000274.4 (MANE Select); coding-DNA position 1073, A replaced by G.
Protein change: p.Asn358Ser; replaces asparagine 358 with serine.
Molecular consequence: missense variant.
Genome position (GRCh38, 1-based): chr10:124,400,926, T>C on the plus strand (A>G on the coding strand, the complement: OAT is on the minus strand). VCF-style: chr10-124400926-T-C. GRCh37 (hg19) VCF-style: chr10-126089495-T-C.
Other names: c.659A>G, p.Asn220Ser (NM_001171814.2); c.1073A>G, p.Asn358Ser (NM_001322965.2, NM_001322966.2, NM_001322967.2 and 3 more transcripts); c.752A>G, p.Asn251Ser (NM_001322971.2); c.473A>G, p.Asn158Ser (NM_001322974.2); short protein forms N158S, N358S, N251S, N220S.
Identifiers: ClinVar variation 2173858 (VCV002173858.2), dbSNP rs1259134069, ClinGen allele CA378633683.